The following is an entry in ClinVar:

ClinVar aggregate classification (germline): Uncertain significance. Review status: criteria provided, multiple submitters, no conflicts (2 of 4 stars). 4 submissions from 4 submitters: Uncertain significance (3). 1 of the submissions does not count toward it. Last evaluated 2025-11-22.

Conditions:
Colorectal cancer, susceptibility to, 12 (CRCS12). Also called: COLORECTAL CANCER, SUSCEPTIBILITY TO, ON CHROMOSOME 12q24. Identifiers: Orphanet 220460, MedGen C3554460, MONDO:0014038, OMIM 615083.
Hereditary cancer-predisposing syndrome. Also called: Neoplastic Syndromes, Hereditary; Tumor predisposition; Hereditary Cancer Syndrome; Hereditary neoplastic syndrome. Identifiers: Orphanet 140162, MedGen C0027672, MeSH D009386, MONDO:0015356.

Submissions (4):

Labcorp Genetics (formerly Invitae), Labcorp
Classification: Uncertain significance. Last evaluated: 2025-11-22. Review status: criteria provided, single submitter. Criteria: Invitae Variant Classification Sherloc (09022015). Collection method: clinical testing. Allele origin: germline.
Comment: This variant, c.6588_6590del, results in the deletion of 1 amino acid(s) of the POLE protein (p.Ser2197del), but otherwise preserves the integrity of the reading frame. This variant is present in population databases (no rsID available, gnomAD 0.01%). This variant has not been reported in the literature in individuals affected with POLE-related conditions. Experimental studies and prediction algorithms are not available or were not evaluated, and the functional significance of this variant is currently unknown. In summary, the available evidence is currently insufficient to determine the role of this variant in disease. Therefore, it has been classified as a Variant of Uncertain Significance.

Ambry Genetics
Classification: Uncertain significance for Hereditary cancer-predisposing syndrome. Last evaluated: 2025-03-26. Review status: criteria provided, single submitter. Criteria: Ambry Variant Classification Scheme 2023. Collection method: clinical testing. Allele origin: germline.
Comment: The c.6588_6590delCTC variant (also known as p.S2197del) is located in coding exon 47 of the POLE gene. This variant results from an in-frame CTC deletion at nucleotide positions 6588 to 6590. This results in the in-frame deletion of a serine at codon 2197. This amino acid position is poorly conserved in available vertebrate species. In addition, this alteration is predicted to be deleterious by in silico analysis (Choi Y et al. PLoS ONE. 2012; 7(10):e46688). Based on the available evidence, the clinical significance of this variant remains unclear.

GeneDx
Classification: Uncertain significance. Last evaluated: 2024-03-05. Review status: criteria provided, single submitter. Criteria: GeneDx Variant Classification Process June 2021. Collection method: clinical testing. Allele origin: germline. Affected: yes.
Comment: Not observed at significant frequency in large population cohorts (gnomAD); In-frame deletion of 1 amino acid in a non-repeat region; In silico analysis supports a deleterious effect on protein structure/function; Has not been previously published as pathogenic or benign to our knowledge; This variant is associated with the following publications: (PMID: 19296856)

Counsyl
Classification: Uncertain significance for Colorectal cancer, susceptibility to, 12. Last evaluated: 2018-03-26. Review status: no assertion criteria provided. Collection method: clinical testing. Allele origin: unknown. Not counted in ClinVar's aggregate classification.

NM_006231.4(POLE):c.6585CTC[1] (p.Ser2197del)

Gene: POLE (DNA polymerase epsilon, catalytic subunit; minus strand). Cytogenetic location: 12q24.33.
Variant type: Microsatellite.
Coding change: c.6585CTC[1] on transcript NM_006231.4 (MANE Select); one copy of the 3-base unit CTC starting at c.6585; the reference has two copies in a row; one copy, 3 bases deleted; also written c.6588_6590del.
Protein change: p.Ser2197del; deletes serine 2197.
Molecular consequence: inframe deletion.
Genome position (GRCh38, 1-based): chr12:132,625,712-132,625,714, GAG deleted on the plus strand (CTC on the coding strand, the reverse complement: POLE is on the minus strand); deleting any 3 consecutive bases within chr12:132,625,712-132,625,717 gives the same sequence; the position shown is the placement nearest the transcript's 3' end. VCF-style (leftmost placement, unchanged base first): chr12-132625711-AGAG-A. GRCh37 (hg19) VCF-style: chr12-133202297-AGAG-A.
Other names: c.6588_6590delCTC (NM_006231.2); c.6588_6590del (NM_006231.2); short protein forms S2197del.
Identifiers: ClinVar variation 484547 (VCV000484547.17), dbSNP rs1188033351, ClinGen allele CA608514000.